The following is an entry in ClinVar:

NM_000388.4(CASR):c.2461T>G (p.Phe821Val)

Gene: CASR (calcium sensing receptor; plus strand). Cytogenetic location: 3q21.1.
Variant type: single nucleotide variant.
Coding change: c.2461T>G on transcript NM_000388.4 (MANE Select); coding-DNA position 2461, T replaced by G.
Protein change: p.Phe821Val; replaces phenylalanine 821 with valine.
Molecular consequence: missense variant.
Genome position (GRCh38, 1-based): chr3:122,284,415, T>G. VCF-style: chr3-122284415-T-G. GRCh37 (hg19) VCF-style: chr3-122003262-T-G.
Other names: c.2491T>G, p.Phe831Val (NM_001178065.2); short protein forms F821V, F831V.
Identifiers: ClinVar variation 1007186 (VCV001007186.10), dbSNP rs2074939089, ClinGen allele CA354159854.

ClinVar aggregate classification (germline): Uncertain significance (1 of 4 stars; one submission).

Conditions:
Autosomal dominant hypocalcemia 1 (HYPOC1). Also called: HYPOCALCEMIA, FAMILIAL. Identifiers: MedGen C3715128, MONDO:0011013, OMIM 601198.
Familial hypocalciuric hypercalcemia (FHH). Also called: Familial benign hypercalcemia. Identifiers: Orphanet 405, MedGen C1809471, MONDO:0018458.

Submission:

Labcorp Genetics (formerly Invitae), Labcorp
Classification: Uncertain significance for Familial hypocalciuric hypercalcemia; Autosomal dominant hypocalcemia 1. Last evaluated: 2020-01-19. Review status: criteria provided, single submitter. Criteria: Invitae Variant Classification Sherloc (09022015). Collection method: clinical testing. Allele origin: germline.
Comment: This sequence change replaces phenylalanine with valine at codon 821 of the CASR protein (p.Phe821Val). The phenylalanine residue is highly conserved and there is a small physicochemical difference between phenylalanine and valine. In summary, the available evidence is currently insufficient to determine the role of this variant in disease. Therefore, it has been classified as a Variant of Uncertain Significance. Algorithms developed to predict the effect of missense changes on protein structure and function are either unavailable or do not agree on the potential impact of this missense change (SIFT: "Deleterious"; PolyPhen-2: "Probably Damaging"; Align-GVGD: "Class C0"). This variant has not been reported in the literature in individuals with CASR-related conditions. This variant is not present in population databases (ExAC no frequency).